The following is an entry in ClinVar:

NM_031407.7(HUWE1):c.2579G>A (p.Arg860His)

Gene: HUWE1 (HECT, UBA and WWE domain containing E3 ubiquitin protein ligase 1; minus strand). Cytogenetic location: Xp11.22.
Variant type: single nucleotide variant.
Coding change: c.2579G>A on transcript NM_031407.7 (MANE Select); coding-DNA position 2579, G replaced by A.
Protein change: p.Arg860His; replaces arginine 860 with histidine.
Molecular consequence: missense variant.
Genome position (GRCh38, 1-based): chrX:53,604,752, C>T on the plus strand (G>A on the coding strand, the complement: HUWE1 is on the minus strand). VCF-style: chrX-53604752-C-T. GRCh37 (hg19) VCF-style: chrX-53631713-C-T.
Other names: short protein forms R860H.
Identifiers: ClinVar variation 986087 (VCV000986087.28), dbSNP rs879987940, ClinGen allele CA413181440.

ClinVar aggregate classification (germline): Uncertain significance. Review status: criteria provided, multiple submitters, no conflicts (2 of 4 stars). 3 submissions from 3 submitters: Uncertain significance (3). Last evaluated 2024-01-01.

Conditions:
Inborn genetic diseases. Identifiers: MedGen C0950123, MeSH D030342.

Allele frequency attached by ClinVar (database versions not stated): gnomAD exomes below 0.00001.
gnomAD v4.1: 2 of 1,211,176 alleles (0.00017%); highest among the groups gnomAD compares: East Asian, 0.003%; no homozygotes.

Submissions (3):

CeGaT Center for Human Genetics Tuebingen
Classification: Uncertain significance. Last evaluated: 2024-01-01. Review status: criteria provided, single submitter. Criteria: CeGaT Center For Human Genetics Tuebingen Variant Classification Criteria Version 2. Collection method: clinical testing. Allele origin: germline. Affected: yes. Observed: 1 variant allele.
Comment: HUWE1: PM2

Labcorp Genetics (formerly Invitae), Labcorp
Classification: Uncertain significance. Last evaluated: 2023-03-19. Review status: criteria provided, single submitter. Criteria: Invitae Variant Classification Sherloc (09022015). Collection method: clinical testing. Allele origin: germline.
Comment: This sequence change replaces arginine, which is basic and polar, with histidine, which is basic and polar, at codon 860 of the HUWE1 protein (p.Arg860His). This variant is not present in population databases (gnomAD no frequency). This variant has not been reported in the literature in individuals affected with HUWE1-related conditions. ClinVar contains an entry for this variant (Variation ID: 986087). Advanced modeling of protein sequence and biophysical properties (such as structural, functional, and spatial information, amino acid conservation, physicochemical variation, residue mobility, and thermodynamic stability) has been performed at Invitae for this missense variant, however the output from this modeling did not meet the statistical confidence thresholds required to predict the impact of this variant on HUWE1 protein function. In summary, the available evidence is currently insufficient to determine the role of this variant in disease. Therefore, it has been classified as a Variant of Uncertain Significance.

Ambry Genetics
Classification: Uncertain significance for Inborn genetic diseases. Last evaluated: 2017-12-14. Review status: criteria provided, single submitter. Criteria: Ambry exome assertion method (8-5-2015). Collection method: clinical testing. Allele origin: germline. Affected: yes. Observed: 1 variant allele.